The following is an entry in ClinVar:

NM_000057.4(BLM):c.2482_2483insAAG (p.Met827_Ala828insGlu)

Gene: BLM (BLM RecQ like helicase; plus strand). Cytogenetic location: 15q26.1.
Variant type: Insertion.
Coding change: c.2482_2483insAAG on transcript NM_000057.4 (MANE Select); coding-DNA positions 2482 to 2483, AAG inserted.
Protein change: p.Met827_Ala828insGlu.
Molecular consequence: inframe insertion.
Genome position: GRCh38 VCF-style: chr15-90769512-G-GGAA. GRCh37 (hg19) VCF-style: chr15-91312742-G-GGAA.
Other names: c.2482_2483insAAG, p.Met827_Ala828insGlu (NM_001287246.2, NM_001287247.2); c.1357_1358insAAG, p.Met452_Ala453insGlu (NM_001287248.2).
Identifiers: ClinVar variation 4721112 (VCV004721112.1).

ClinVar aggregate classification (germline): Uncertain significance (1 of 4 stars; one submission).

Conditions:
Bloom syndrome (BLM). Also called: Bloom-Torre-Machacek syndrome. Identifiers: Orphanet 125, MedGen C0005859, MONDO:0008876, OMIM 210900.

Submission:

Labcorp Genetics (formerly Invitae), Labcorp
Classification: Uncertain significance for Bloom syndrome. Last evaluated: 2025-06-10. Review status: criteria provided, single submitter. Criteria: Invitae Variant Classification Sherloc (09022015). Collection method: clinical testing. Allele origin: germline.
Comment: This variant, c.2482_2483insAAG, results in the insertion of 1 amino acid(s) of the BLM protein (p.Met827_Ala828insGlu), but otherwise preserves the integrity of the reading frame. This variant is not present in population databases (gnomAD no frequency). This variant has not been reported in the literature in individuals affected with BLM-related conditions. In summary, the available evidence is currently insufficient to determine the role of this variant in disease. Therefore, it has been classified as a Variant of Uncertain Significance.